The following is an entry in ClinVar:

NM_015338.6(ASXL1):c.3458A>G (p.His1153Arg)

Gene: ASXL1 (ASXL transcriptional regulator 1; plus strand). Cytogenetic location: 20q11.21.
Variant type: single nucleotide variant.
Coding change: c.3458A>G on transcript NM_015338.6 (MANE Select); coding-DNA position 3458, A replaced by G.
Protein change: p.His1153Arg; replaces histidine 1153 with arginine.
Molecular consequence: missense variant.
Genome position (GRCh38, 1-based): chr20:32,436,170, A>G. VCF-style: chr20-32436170-A-G. GRCh37 (hg19) VCF-style: chr20-31023973-A-G.
Other names: c.3275A>G, p.His1092Arg (NM_001363734.1); short protein forms H1092R, H1153R.
Identifiers: ClinVar variation 2908386 (VCV002908386.3), dbSNP rs761116566, ClinGen allele CA9808830.

ClinVar aggregate classification (germline): Uncertain significance (1 of 4 stars; one submission).

Allele frequency attached by ClinVar (database versions not stated): ExAC 0.00005; gnomAD 0.00001; TOPMed 0.00003.
gnomAD v4.1: 30 of 1,614,102 alleles (0.0019%); highest among the groups gnomAD compares: East Asian, 0.013%; no homozygotes.

Submission:

Labcorp Genetics (formerly Invitae), Labcorp
Classification: Uncertain significance. Last evaluated: 2025-09-24. Review status: criteria provided, single submitter. Criteria: Invitae Variant Classification Sherloc (09022015). Collection method: clinical testing. Allele origin: germline.
Comment: This sequence change replaces histidine, which is basic and polar, with arginine, which is basic and polar, at codon 1153 of the ASXL1 protein (p.His1153Arg). This variant is present in population databases (rs761116566, gnomAD 0.03%). This variant has not been reported in the literature in individuals affected with ASXL1-related conditions. ClinVar contains an entry for this variant (Variation ID: 2908386). An algorithm developed to predict the effect of missense changes on protein structure and function outputs the following: PolyPhen-2: "Benign". The arginine amino acid residue is found in multiple mammalian species, which suggests that this missense change does not adversely affect protein function. In summary, the available evidence is currently insufficient to determine the role of this variant in disease. Therefore, it has been classified as a Variant of Uncertain Significance.